The following is an entry in ClinVar:

NM_020066.5(FMN2):c.1932A>C (p.Glu644Asp)

Gene: FMN2 (formin 2; plus strand). Cytogenetic location: 1q43.
Variant type: single nucleotide variant.
Coding change: c.1932A>C on transcript NM_020066.5 (MANE Select); coding-DNA position 1932, A replaced by C.
Protein change: p.Glu644Asp; replaces glutamic acid 644 with aspartic acid.
Molecular consequence: missense variant.
Genome position (GRCh38, 1-based): chr1:240,188,208, A>C. VCF-style: chr1-240188208-A-C. GRCh37 (hg19) VCF-style: chr1-240351508-A-C.
Other names: c.1944A>C, p.Glu648Asp (NM_001305424.2); c.1932A>C, p.Glu644Asp (NM_001348094.2); short protein forms E644D, E648D.
Identifiers: ClinVar variation 4689590 (VCV004689590.1).

ClinVar aggregate classification (germline): Uncertain significance (1 of 4 stars; one submission).

gnomAD v4.1: 2 of 1,613,688 alleles (0.00012%); highest among the groups gnomAD compares: African/African-American, 0.0027%; no homozygotes.

Submission:

Women's Health and Genetics/Laboratory Corporation of America, LabCorp
Classification: Uncertain significance. Last evaluated: 2026-01-06. Review status: criteria provided, single submitter. Criteria: LabCorp Variant Classification Summary - May 2015. Collection method: clinical testing. Allele origin: germline.
Comment: Variant summary: FMN2 c.1932A>C (p.Glu644Asp) results in a conservative amino acid change in the encoded protein sequence. Algorithms developed to predict the effect of missense changes on protein structure and function all suggest that this variant is likely to be tolerated. Consensus agreement among computation tools predict no significant impact on normal splicing. However, these predictions have yet to be confirmed by functional studies. The variant allele was found at a frequency of 8e-06 in 251174 control chromosomes. The available data on variant occurrences in the general population are insufficient to allow any conclusion about variant significance. To our knowledge, no occurrence of c.1932A>C in individuals affected with FMN2-related conditions and no experimental evidence demonstrating its impact on protein function have been reported. No submitters have cited clinical-significance assessments for this variant to ClinVar. Based on the evidence outlined above, the variant was classified as uncertain significance.